The following is an entry in ClinVar:

ClinVar aggregate classification (germline): Likely benign. Review status: criteria provided, multiple submitters, no conflicts (2 of 4 stars). 2 submissions from 2 submitters: Likely benign (2). Last evaluated 2025-03-13.

Conditions:
DHCR24-related disorder. Also called: DHCR24-related condition.

Allele frequency attached by ClinVar (database versions not stated): ExAC 0.00001; gnomAD 0.00001.
gnomAD v4.1: 64 of 1,613,338 alleles (0.004%); highest among the groups gnomAD compares: Non-Finnish European, 0.0049%; no homozygotes.

Submissions (2):

PreventionGenetics, part of Exact Sciences
Classification: Likely benign for DHCR24-related condition. Last evaluated: 2025-03-13. Review status: criteria provided, single submitter. Criteria: ACMG Guidelines, 2015. Collection method: clinical testing. Allele origin: germline.
Comment: This variant is classified as likely benign based on ACMG/AMP sequence variant interpretation guidelines (Richards et al. 2015 PMID: 25741868, with internal and published modifications).

Labcorp Genetics (formerly Invitae), Labcorp
Classification: Likely benign. Last evaluated: 2024-11-04. Review status: criteria provided, single submitter. Criteria: Invitae Variant Classification Sherloc (09022015). Collection method: clinical testing. Allele origin: germline.

NM_014762.4(DHCR24):c.1194G>C (p.Leu398=)

Gene: DHCR24 (24-dehydrocholesterol reductase; minus strand). Cytogenetic location: 1p32.3.
Variant type: single nucleotide variant.
Coding change: c.1194G>C on transcript NM_014762.4 (MANE Select); coding-DNA position 1194, G replaced by C.
Protein change: p.Leu398=; no amino-acid change (leucine 398 retained).
Molecular consequence: synonymous variant.
Genome position (GRCh38, 1-based): chr1:54,854,061, C>G on the plus strand (G>C on the coding strand, the complement: DHCR24 is on the minus strand). VCF-style: chr1-54854061-C-G. GRCh37 (hg19) VCF-style: chr1-55319734-C-G.
Other names: c.1194G>C (NM_014762.3).
Identifiers: ClinVar variation 2895847 (VCV002895847.4), dbSNP rs534125512, ClinGen allele CA870621.